The following is an entry in ClinVar:

NM_024915.4(GRHL2):c.1500G>A (p.Thr500=)

Gene: GRHL2 (grainyhead like transcription factor 2; plus strand). Cytogenetic location: 8q22.3.
Variant type: single nucleotide variant.
Coding change: c.1500G>A on transcript NM_024915.4 (MANE Select); coding-DNA position 1500, G replaced by A.
Protein change: p.Thr500=; no amino-acid change (threonine 500 retained).
Molecular consequence: synonymous variant.
Genome position (GRCh38, 1-based): chr8:101,636,911, G>A. VCF-style: chr8-101636911-G-A. GRCh37 (hg19) VCF-style: chr8-102649139-G-A.
Other names: p.Thr500=; c.1452G>A, p.Thr484= (NM_001330593.2).
Identifiers: ClinVar variation 163648 (VCV000163648.19), dbSNP rs34550163, ClinGen allele CA176265.

ClinVar aggregate classification (germline): Benign/Likely benign. Review status: criteria provided, multiple submitters, no conflicts (2 of 4 stars). 8 submissions from 8 submitters: Benign (5); Likely benign (1). 2 of the submissions do not count toward it. Last evaluated 2026-01-28.

Allele frequency attached by ClinVar (database versions not stated): gnomAD exomes 0.00125 and 0.00060; ExAC 0.00140; 1000 Genomes Project 0.00399; ESP Exome Variant Server 0.00408; gnomAD 0.00427 and 0.00460; 1000 Genomes Project 30x 0.00484; TOPMed 0.00508.
gnomAD v4.1: 1,592 of 1,613,706 alleles (0.099%); highest among the groups gnomAD compares: African/African-American, 1.5%; 13 homozygotes.

Submissions (8):

Labcorp Genetics (formerly Invitae), Labcorp
Classification: Benign. Last evaluated: 2026-01-28. Review status: criteria provided, single submitter. Criteria: Invitae Variant Classification Sherloc (09022015). Collection method: clinical testing. Allele origin: germline.

Mayo Clinic Laboratories, Mayo Clinic
Classification: Benign. Last evaluated: 2025-03-20. Review status: criteria provided, single submitter. Criteria: ACMG Guidelines, 2015. Collection method: clinical testing. Allele origin: germline. Observed: 2 variant alleles.
Comment: BA1, BP4, BP7

Blueprint Genetics
Classification: Likely benign. Last evaluated: 2024-10-22. Review status: criteria provided, single submitter. Criteria: ACMG Guidelines, 2015. Collection method: clinical testing. Allele origin: germline.

GeneDx
Classification: Benign. Last evaluated: 2019-04-19. Review status: criteria provided, single submitter. Criteria: GeneDx Variant Classification Process June 2021. Collection method: clinical testing. Allele origin: germline. Affected: yes.

Laboratory for Molecular Medicine, Mass General Brigham Personalized Medicine
Classification: Benign. Last evaluated: 2012-05-07. Review status: criteria provided, single submitter. Criteria: LMM Criteria. Collection method: clinical testing. Allele origin: germline. Observed: 5 variant alleles.
Comment: "Thr500Thr in Exon 12 of GRHL2: This variant is not expected to have clinical si gnificance because it does not alter an amino acid residue, is not located withi n the splice consensus sequence, and has been identified in 1.4% (53/3738) of Af rican American chromosomes from a broad population by the NHLBI Exome Sequencing Project (dbSNP rs34550163)."

Breakthrough Genomics
Classification: Benign. Review status: criteria provided, single submitter. Criteria: ACMG Guidelines, 2015. Collection method: not provided. Allele origin: germline. Inheritance: Autosomal recessive inheritance. Affected: yes.

Clinical Genetics DNA and cytogenetics Diagnostics Lab, Erasmus MC, Erasmus Medical Center
Classification: Benign. Review status: no assertion criteria provided. Collection method: clinical testing. Allele origin: germline. Affected: yes. Study: VKGL Data-share Consensus. Not counted in ClinVar's aggregate classification.

Genome Diagnostics Laboratory, University Medical Center Utrecht
Classification: Likely benign. Review status: no assertion criteria provided. Collection method: clinical testing. Allele origin: germline. Affected: yes. Study: VKGL Data-share Consensus. Not counted in ClinVar's aggregate classification.